The following is an entry in ClinVar:

ClinVar aggregate classification (germline): Uncertain significance (1 of 4 stars; one submission).

Submission:

Labcorp Genetics (formerly Invitae), Labcorp
Classification: Uncertain significance. Last evaluated: 2021-11-30. Review status: criteria provided, single submitter. Criteria: Invitae Variant Classification Sherloc (09022015). Collection method: clinical testing. Allele origin: germline.
Comment: This sequence change replaces proline, which is neutral and non-polar, with serine, which is neutral and polar, at codon 27 of the UNC119 protein (p.Pro27Ser). This variant is not present in population databases (gnomAD no frequency). This variant has not been reported in the literature in individuals affected with UNC119-related conditions. Algorithms developed to predict the effect of missense changes on protein structure and function output the following: SIFT: "Not Available"; PolyPhen-2: "Possibly Damaging"; Align-GVGD: "Not Available". The serine amino acid residue is found in multiple mammalian species, which suggests that this missense change does not adversely affect protein function. In summary, the available evidence is currently insufficient to determine the role of this variant in disease. Therefore, it has been classified as a Variant of Uncertain Significance.

NM_005148.4(UNC119):c.79C>T (p.Pro27Ser)

Genes: UNC119 (unc-119 lipid binding chaperone; minus strand), LOC130060555 (ATAC-STARR-seq lymphoblastoid silent region 8343; plus strand). Cytogenetic location: 17q11.2.
Variant type: single nucleotide variant.
Coding change: c.79C>T on transcript NM_005148.4 (MANE Select); coding-DNA position 79, C replaced by T.
Protein change: p.Pro27Ser; replaces proline 27 with serine.
Molecular consequence: missense variant. On other transcripts: 5 prime UTR variant (1).
Genome position (GRCh38, 1-based): chr17:28,552,479, G>A on the plus strand (C>T on the coding strand, the complement: UNC119 is on the minus strand). VCF-style: chr17-28552479-G-A. GRCh37 (hg19) VCF-style: chr17-26879497-G-A.
Other names: c.-235C>T (NM_001330166.2); c.79C>T, p.Pro27Ser (NM_054035.2); short protein forms P27S.
Identifiers: ClinVar variation 1898816 (VCV001898816.5), dbSNP rs2508475330, ClinGen allele CA398336560.